The following is an entry in ClinVar:

NM_000583.4(GC):c.1324dup (p.Val442fs)

Gene: GC (GC vitamin D binding protein; minus strand). Cytogenetic location: 4q13.3.
Variant type: Duplication.
Coding change: c.1324dup on transcript NM_000583.4 (MANE Select); coding-DNA position 1324, one base duplicated (G; older notation c.1324dupG).
Protein change: p.Val442fs; shifts the reading frame from valine 442.
Molecular consequence: frameshift variant.
Genome position (GRCh38, 1-based): chr4:71,752,589, C duplicated on the plus strand (G on the coding strand, the reverse complement: GC is on the minus strand); the first of 2 consecutive C bases (chr4:71,752,589-71,752,590); duplicating either gives the same sequence. VCF-style (leftmost placement, unchanged base first): chr4-71752588-A-AC. GRCh37 (hg19) VCF-style: chr4-72618305-A-AC.
Other names: c.1324dup, p.Val442fs (NM_001204306.1); c.1381dup, p.Val461fs (NM_001204307.1); c.1323_1324insG (NM_000583.4); short protein forms V442fs, V461fs.
Identifiers: ClinVar variation 3336648 (VCV003336648.1).

ClinVar aggregate classification (germline): no classifications from unflagged records (0 of 4 stars; one submission).

Conditions:
Chronic obstructive pulmonary disease. Also called: Chronic pulmonary obstruction. Identifiers: MedGen C0024117, MeSH D029424, MONDO:0005002, OMIM 606963, HP:0006510.

Submission:

Dr Mariam's Lab, University of the Punjab
Classification: Likely pathogenic for Chronic obstructive pulmonary disease. Review status: flagged submission. Collection method: case-control. Allele origin: germline. Affected: yes.
ClinVar note: Notes: This phenotype is not a monogenic disease. The terms P/LP are not appropriate.
ClinVar note: Reason: Other